The following is an entry in ClinVar:

ClinVar aggregate classification (germline): Uncertain significance (1 of 4 stars; one submission).

Conditions:
Hypertrophic cardiomyopathy. Also called: HYPERTROPHIC MYOCARDIOPATHY. Identifiers: Orphanet 217569, MedGen C0007194, MeSH D002312, MONDO:0005045, HP:0001639.

gnomAD v4.1: 1 of 1,612,566 alleles (0.000062%); highest among the groups gnomAD compares: Non-Finnish European, 0.000085%; no homozygotes.

Submission:

Labcorp Genetics (formerly Invitae), Labcorp
Classification: Uncertain significance for Hypertrophic cardiomyopathy. Last evaluated: 2024-05-09. Review status: criteria provided, single submitter. Criteria: Invitae Variant Classification Sherloc (09022015). Collection method: clinical testing. Allele origin: germline.
Comment: This sequence change replaces aspartic acid, which is acidic and polar, with asparagine, which is neutral and polar, at codon 462 of the MYBPC3 protein (p.Asp462Asn). This variant is not present in population databases (gnomAD no frequency). This variant has not been reported in the literature in individuals affected with MYBPC3-related conditions. An algorithm developed to predict the effect of missense changes on protein structure and function (PolyPhen-2) suggests that this variant is likely to be disruptive. In summary, the available evidence is currently insufficient to determine the role of this variant in disease. Therefore, it has been classified as a Variant of Uncertain Significance.

NM_000256.3(MYBPC3):c.1384G>A (p.Asp462Asn)

Gene: MYBPC3 (myosin binding protein C3; minus strand). Cytogenetic location: 11p11.2.
Variant type: single nucleotide variant.
Coding change: c.1384G>A on transcript NM_000256.3 (MANE Select); coding-DNA position 1384, G replaced by A.
Protein change: p.Asp462Asn; replaces aspartic acid 462 with asparagine.
Molecular consequence: missense variant.
Genome position (GRCh38, 1-based): chr11:47,342,903, C>T on the plus strand (G>A on the coding strand, the complement: MYBPC3 is on the minus strand). VCF-style: chr11-47342903-C-T. GRCh37 (hg19) VCF-style: chr11-47364454-C-T.
Other names: short protein forms D462N.
Identifiers: ClinVar variation 3675464 (VCV003675464.2).